The following is an entry in ClinVar:

ClinVar aggregate classification (germline): Uncertain significance (1 of 4 stars; one submission).

Conditions:
Developmental and epileptic encephalopathy, 23 (DEE23). Also called: Epileptic encephalopathy, early infantile, 23. Identifiers: Orphanet 411986, MedGen C4014492, MONDO:0014371, OMIM 615859.

gnomAD v4.1: 8 of 1,614,058 alleles (0.0005%); highest among the groups gnomAD compares: Non-Finnish European, 0.00068%; no homozygotes.

Submission:

Labcorp Genetics (formerly Invitae), Labcorp
Classification: Uncertain significance for Developmental and epileptic encephalopathy, 23. Last evaluated: 2021-08-31. Review status: criteria provided, single submitter. Criteria: Invitae Variant Classification Sherloc (09022015). Collection method: clinical testing. Allele origin: germline.
Comment: This sequence change replaces arginine with serine at codon 1547 of the DOCK7 protein (p.Arg1547Ser). The arginine residue is highly conserved and there is a moderate physicochemical difference between arginine and serine. This variant is present in population databases (rs115353638, ExAC 0.002%). This variant has not been reported in the literature in individuals affected with DOCK7-related conditions. Algorithms developed to predict the effect of missense changes on protein structure and function are either unavailable or do not agree on the potential impact of this missense change (SIFT: "Tolerated"; PolyPhen-2: "Probably Damaging"; Align-GVGD: "Class C0"). In summary, the available evidence is currently insufficient to determine the role of this variant in disease. Therefore, it has been classified as a Variant of Uncertain Significance.

NM_001367561.1(DOCK7):c.4668G>C (p.Arg1556Ser)

Gene: DOCK7 (dedicator of cytokinesis 7; minus strand). Cytogenetic location: 1p31.3.
Variant type: single nucleotide variant.
Coding change: c.4668G>C on transcript NM_001367561.1 (MANE Select); coding-DNA position 4668, G replaced by C.
Protein change: p.Arg1556Ser; replaces arginine 1556 with serine.
Molecular consequence: missense variant.
Genome position (GRCh38, 1-based): chr1:62,504,726, C>G on the plus strand (G>C on the coding strand, the complement: DOCK7 is on the minus strand). VCF-style: chr1-62504726-C-G. GRCh37 (hg19) VCF-style: chr1-62970397-C-G.
Other names: c.4641G>C, p.Arg1547Ser (NM_001271999.2, NM_001330614.2); c.4548G>C, p.Arg1516Ser (NM_001272000.2, NM_001272001.2); c.4575G>C, p.Arg1525Ser (NM_033407.4); short protein forms R1516S, R1525S, R1547S, R1556S.
Identifiers: ClinVar variation 958784 (VCV000958784.7), dbSNP rs115353638, ClinGen allele CA885640.